The following is an entry in ClinVar:

NM_000059.4(BRCA2):c.6691_6692delinsTT (p.Ala2231Phe)

Gene: BRCA2 (BRCA2 DNA repair associated; plus strand). Cytogenetic location: 13q13.1.
Variant type: Indel.
Coding change: c.6691_6692delinsTT on transcript NM_000059.4 (MANE Select); coding-DNA positions 6691 to 6692, GC replaced by TT.
Protein change: p.Ala2231Phe; replaces alanine 2231 with phenylalanine.
Molecular consequence: missense variant.
Genome position (GRCh38, 1-based): chr13:32,341,046-32,341,047, GC replaced by TT. VCF-style: chr13-32341046-GC-TT. GRCh37 (hg19) VCF-style: chr13-32915183-GC-TT.
Other names: c.6691_6692delGCinsTT (NM_000059.3); short protein forms A2231F.
Identifiers: ClinVar variation 371828 (VCV000371828.7), dbSNP rs1057517557, ClinGen allele CA16042142.

ClinVar aggregate classification (germline): Conflicting classifications of pathogenicity. Review status: criteria provided, conflicting classifications (1 of 4 stars). 4 submissions from 4 submitters: Uncertain significance (2); Likely benign (1). 1 of the submissions does not count toward it. Last evaluated 2023-03-23.

Conditions:
Hereditary cancer-predisposing syndrome. Also called: Tumor predisposition; Hereditary Cancer Syndrome; Hereditary neoplastic syndrome; Neoplastic Syndromes, Hereditary. Identifiers: Orphanet 140162, MedGen C0027672, MeSH D009386, MONDO:0015356.
Breast and/or ovarian cancer. Identifiers: MedGen CN221562.
Breast-ovarian cancer, familial, susceptibility to, 2 (BROVCA2). Also called: BRCA2 Hereditary Breast and Ovarian Cancer. Identifiers: Orphanet 145, MedGen C2675520, MONDO:0012933, OMIM 612555. Disease mechanism: loss of function.

Submissions (4):

University of Washington Department of Laboratory Medicine, University of Washington
Classification: Likely benign for Hereditary cancer-predisposing syndrome. Last evaluated: 2023-03-23. Review status: criteria provided, single submitter. Criteria: Dines et al. (Genet Med. 2020). Collection method: curation. Allele origin: germline.
Comment: Missense variant in a coldspot region where missense variants are very unlikely to be pathogenic (PMID:31911673).

BRCA2 exon 11 coldspot. Reclassification based on statistical prior probability.

Women's Health and Genetics/Laboratory Corporation of America, LabCorp
Classification: Uncertain significance. Last evaluated: 2020-01-20. Review status: criteria provided, single submitter. Criteria: LabCorp Variant Classification Summary - May 2015. Collection method: clinical testing. Allele origin: germline.
Comment: Variant summary: BRCA2 c.6691_6692delinsTT (p.Ala2231Phe) results in a non-conservative amino acid change in the encoded protein sequence. Two of three in-silico tools predict a benign effect of the variant on protein function. The variant was absent in 251238 control chromosomes. The available data on variant occurrences in the general population are insufficient to allow any conclusion about variant significance. To our knowledge, no occurrence of c.6691_6692delinsTT in individuals affected with Hereditary Breast and Ovarian Cancer and no experimental evidence demonstrating its impact on protein function have been reported. One clinical diagnostic laboratory has submitted clinical-significance assessments for this variant to ClinVar after 2014 without evidence for independent evaluation and classified the variant as uncertain significance. Based on the evidence outlined above, the variant was classified as uncertain significance.

CHEO Genetics Diagnostic Laboratory, Children's Hospital of Eastern Ontario
Classification: Uncertain significance for Breast and/or ovarian cancer. Last evaluated: 2019-05-06. Review status: criteria provided, single submitter. Criteria: ACMG Guidelines, 2015. Collection method: clinical testing. Allele origin: germline.

Counsyl
Classification: Uncertain significance for Breast-ovarian cancer, familial, susceptibility to, 2. Last evaluated: 2016-03-03. Review status: no assertion criteria provided. Collection method: clinical testing. Allele origin: unknown. Not counted in ClinVar's aggregate classification.